The following is an entry in ClinVar:

ClinVar aggregate classification (germline): Uncertain significance (1 of 4 stars; one submission).

Allele frequency attached by ClinVar (database versions not stated): gnomAD exomes 0.00001; gnomAD 0.00002; TOPMed 0.00003; ESP Exome Variant Server 0.00008.
gnomAD v4.1: 22 of 1,611,814 alleles (0.0014%); highest among the groups gnomAD compares: African/African-American, 0.004%; no homozygotes.

Submission:

Labcorp Genetics (formerly Invitae), Labcorp
Classification: Uncertain significance. Last evaluated: 2023-01-03. Review status: criteria provided, single submitter. Criteria: Invitae Variant Classification Sherloc (09022015). Collection method: clinical testing. Allele origin: germline.
Comment: In summary, the available evidence is currently insufficient to determine the role of this variant in disease. Therefore, it has been classified as a Variant of Uncertain Significance. Algorithms developed to predict the effect of missense changes on protein structure and function output the following: SIFT: "Deleterious"; PolyPhen-2: "Benign"; Align-GVGD: "Class C0". The leucine amino acid residue is found in multiple mammalian species, which suggests that this missense change does not adversely affect protein function. This variant has not been reported in the literature in individuals affected with IGF2-related conditions. This variant is present in population databases (rs143785521, gnomAD 0.004%). This sequence change replaces proline, which is neutral and non-polar, with leucine, which is neutral and non-polar, at codon 98 of the IGF2 protein (p.Pro98Leu).

NM_000612.6(IGF2):c.293C>T (p.Pro98Leu)

Genes: IGF2 (insulin like growth factor 2; minus strand), INS-IGF2 (INS-IGF2 readthrough; minus strand). Cytogenetic location: 11p15.5.
Variant type: single nucleotide variant.
Coding change: c.293C>T on transcript NM_000612.6 (MANE Select); coding-DNA position 293, C replaced by T.
Protein change: p.Pro98Leu; replaces proline 98 with leucine.
Molecular consequence: missense variant. On other transcripts: non-coding transcript variant (1).
Genome position (GRCh38, 1-based): chr11:2,133,530, G>A on the plus strand (C>T on the coding strand, the complement: IGF2 is on the minus strand). VCF-style: chr11-2133530-G-A. GRCh37 (hg19) VCF-style: chr11-2154760-G-A.
Other names: c.293C>T, p.Pro98Leu (NM_001007139.6, NM_001291861.3, NM_001291862.3); c.461C>T, p.Pro154Leu (NM_001127598.3); short protein forms P98L, P154L.
Identifiers: ClinVar variation 2896604 (VCV002896604.3), dbSNP rs143785521, ClinGen allele CA5817655.